The following is an entry in ClinVar:

ClinVar aggregate classification (germline): Pathogenic (1 of 4 stars; one submission).

Conditions:
Pulmonary fibrosis and/or bone marrow failure, Telomere-related, 3. Also called: PULMONARY FIBROSIS AND/OR BONE MARROW FAILURE SYNDROME, TELOMERE-RELATED, 3. Identifiers: Orphanet 2032, MedGen C4225346, MONDO:0014613, OMIM 616373.
Dyskeratosis congenita, autosomal recessive 5 (DKCB5). Identifiers: MedGen C3554656, MONDO:0014076, OMIM 615190.

Submission:

Labcorp Genetics (formerly Invitae), Labcorp
Classification: Pathogenic for Dyskeratosis congenita, autosomal recessive 5; Pulmonary fibrosis and/or bone marrow failure, Telomere-related, 3. Last evaluated: 2021-01-16. Review status: criteria provided, single submitter. Criteria: Invitae Variant Classification Sherloc (09022015). Collection method: clinical testing. Allele origin: germline.
Comment: This sequence change creates a premature translational stop signal (p.Leu862Argfs*39) in the RTEL1 gene. It is expected to result in an absent or disrupted protein product. Loss-of-function variants in RTEL1 are known to be pathogenic (PMID: 23453664, 23959892, 25607374). This variant is not present in population databases (ExAC no frequency). This variant has not been reported in the literature in individuals with RTEL1-related conditions. Algorithms developed to predict the effect of sequence changes on RNA splicing suggest that this variant may create or strengthen a splice site, but this prediction has not been confirmed by published transcriptional studies. For these reasons, this variant has been classified as Pathogenic.

Literature cited by the submitters: PubMed 23453664; PubMed 23959892; PubMed 25607374.

NM_001283009.2(RTEL1):c.2584_2593del (p.Leu862fs)

Genes: RTEL1 (regulator of telomere elongation helicase 1; plus strand), RTEL1-TNFRSF6B (RTEL1-TNFRSF6B readthrough (NMD candidate); plus strand). Cytogenetic location: 20q13.33.
Variant type: Deletion.
Coding change: c.2584_2593del on transcript NM_001283009.2 (MANE Select); coding-DNA positions 2584 to 2593, 10 bases deleted (CTGTCTGAGA; older notation c.2584_2593delCTGTCTGAGA).
Protein change: p.Leu862fs; shifts the reading frame from leucine 862.
Molecular consequence: frameshift variant. On other transcripts: non-coding transcript variant (1).
Genome position (GRCh38, 1-based): chr20:63,691,769-63,691,778, CTGTCTGAGA deleted. VCF-style (leftmost placement, unchanged base first): chr20-63691768-CCTGTCTGAGA-C. GRCh37 (hg19) VCF-style: chr20-62323121-CCTGTCTGAGA-C.
Other names: c.1915_1924del, p.Leu639fs (NM_001283010.1); c.2584_2593del, p.Leu862fs (NM_016434.4); c.2656_2665del, p.Leu886fs (NM_032957.5); short protein forms L639fs, L862fs, L886fs.
Identifiers: ClinVar variation 1364279 (VCV001364279.6), dbSNP rs2145439154, ClinGen allele CA2573157243.